The following is an entry in ClinVar:

NM_000553.6(WRN):c.2177C>T (p.Thr726Ile)

Gene: WRN (WRN RecQ like helicase; plus strand). Cytogenetic location: 8p12.
Variant type: single nucleotide variant.
Coding change: c.2177C>T on transcript NM_000553.6 (MANE Select); coding-DNA position 2177, C replaced by T.
Protein change: p.Thr726Ile; replaces threonine 726 with isoleucine.
Molecular consequence: missense variant.
Genome position (GRCh38, 1-based): chr8:31,111,703, C>T. VCF-style: chr8-31111703-C-T. GRCh37 (hg19) VCF-style: chr8-30969219-C-T.
Other names: short protein forms T726I.
Identifiers: ClinVar variation 2879412 (VCV002879412.3), dbSNP rs2130283772, ClinGen allele CA370912702.

ClinVar aggregate classification (germline): Uncertain significance. Review status: criteria provided, multiple submitters, no conflicts (2 of 4 stars). 2 submissions from 2 submitters: Uncertain significance (2). Last evaluated 2024-08-20.

Conditions:
Werner syndrome (WRN). Identifiers: Orphanet 902, MedGen C0043119, MONDO:0010196, OMIM 277700.

Submissions (2):

GeneDx
Classification: Uncertain significance. Last evaluated: 2024-08-20. Review status: criteria provided, single submitter. Criteria: GeneDx Variant Classification Process June 2021. Collection method: clinical testing. Allele origin: germline. Affected: yes.
Comment: Not observed at significant frequency in large population cohorts (gnomAD); In silico analysis supports that this missense variant has a deleterious effect on protein structure/function; Has not been previously published as pathogenic or benign to our knowledge

Labcorp Genetics (formerly Invitae), Labcorp
Classification: Uncertain significance for Werner syndrome. Last evaluated: 2023-10-22. Review status: criteria provided, single submitter. Criteria: Invitae Variant Classification Sherloc (09022015). Collection method: clinical testing. Allele origin: germline.
Comment: This sequence change replaces threonine, which is neutral and polar, with isoleucine, which is neutral and non-polar, at codon 726 of the WRN protein (p.Thr726Ile). This variant is not present in population databases (gnomAD no frequency). This variant has not been reported in the literature in individuals affected with WRN-related conditions. Algorithms developed to predict the effect of missense changes on protein structure and function output the following: SIFT: "Not Available"; PolyPhen-2: "Benign"; Align-GVGD: "Not Available". The isoleucine amino acid residue is found in multiple mammalian species, which suggests that this missense change does not adversely affect protein function. In summary, the available evidence is currently insufficient to determine the role of this variant in disease. Therefore, it has been classified as a Variant of Uncertain Significance.